The following is an entry in ClinVar:

NM_000548.5(TSC2):c.3473dup (p.Arg1159fs)

Gene: TSC2 (TSC complex subunit 2; plus strand). Cytogenetic location: 16p13.3.
Variant type: Duplication.
Coding change: c.3473dup on transcript NM_000548.5 (MANE Select); coding-DNA position 3473, one base duplicated (C; older notation c.3473dupC).
Protein change: p.Arg1159fs; shifts the reading frame from arginine 1159.
Molecular consequence: frameshift variant.
Genome position (GRCh38, 1-based): chr16:2,080,240, C duplicated; the last of 2 consecutive C bases (chr16:2,080,239-2,080,240); duplicating either gives the same sequence. VCF-style (leftmost placement, unchanged base first): chr16-2080238-A-AC. GRCh37 (hg19) VCF-style: chr16-2130239-A-AC.
Other names: c.3341dup, p.Arg1115fs (NM_001077183.3, NM_001370404.1); c.3473dup, p.Arg1159fs (NM_001114382.3); c.3233dup, p.Arg1079fs (NM_001318827.2); c.3197dup, p.Arg1067fs (NM_001318829.2); c.2741dup, p.Arg915fs (NM_001318831.2); c.3374dup, p.Arg1126fs (NM_001318832.2); c.3344dup, p.Arg1116fs (NM_001363528.2, NM_001370405.1, NM_021055.3); short protein forms R1067fs, R1079fs, R1115fs, R1116fs, R1126fs, R1159fs, R915fs.
Identifiers: ClinVar variation 1075715 (VCV001075715.7), dbSNP rs2151458037, ClinGen allele CA2499223320.

ClinVar aggregate classification (germline): Pathogenic (1 of 4 stars; one submission).

Conditions:
Tuberous sclerosis 2 (TSC2). Identifiers: Orphanet 805, MedGen C1860707, MONDO:0013199, OMIM 613254.

Submission:

Labcorp Genetics (formerly Invitae), Labcorp
Classification: Pathogenic for Tuberous sclerosis 2. Last evaluated: 2020-10-12. Review status: criteria provided, single submitter. Criteria: Invitae Variant Classification Sherloc (09022015). Collection method: clinical testing. Allele origin: germline.
Comment: For these reasons, this variant has been classified as Pathogenic. Loss-of-function variants in TSC2 are known to be pathogenic (PMID: 10205261, 17304050). This variant has not been reported in the literature in individuals with TSC2-related conditions. This variant is not present in population databases (ExAC no frequency). This sequence change creates a premature translational stop signal (p.Arg1159Thrfs*9) in the TSC2 gene. It is expected to result in an absent or disrupted protein product.

Literature cited by the submitters: PubMed 10205261; PubMed 17304050.